The following is an entry in ClinVar:

ClinVar aggregate classification (germline): Pathogenic (1 of 4 stars; one submission).

Submission:

Labcorp Genetics (formerly Invitae), Labcorp
Classification: Pathogenic. Last evaluated: 2023-11-19. Review status: criteria provided, single submitter. Criteria: Invitae Variant Classification Sherloc (09022015). Collection method: clinical testing. Allele origin: germline.
Comment: This sequence change creates a premature translational stop signal (p.Gln373*) in the ACAN gene. It is expected to result in an absent or disrupted protein product. Loss-of-function variants in ACAN are known to be pathogenic (PMID: 16080123, 24762113). This variant is not present in population databases (gnomAD no frequency). This variant has not been reported in the literature in individuals affected with ACAN-related conditions. For these reasons, this variant has been classified as Pathogenic.

Literature cited by the submitters: PubMed 16080123; PubMed 24762113.

NM_001369268.1(ACAN):c.1117C>T (p.Gln373Ter)

Gene: ACAN (aggrecan; plus strand). Cytogenetic location: 15q26.1.
Variant type: single nucleotide variant.
Coding change: c.1117C>T on transcript NM_001369268.1 (MANE Select); coding-DNA position 1117, C replaced by T.
Protein change: p.Gln373Ter; replaces glutamine 373 with a stop codon.
Molecular consequence: nonsense.
Genome position (GRCh38, 1-based): chr15:88,845,570, C>T. VCF-style: chr15-88845570-C-T. GRCh37 (hg19) VCF-style: chr15-89388801-C-T.
Other names: c.1117C>T, p.Gln373Ter (NM_001135.4, NM_001411096.1, NM_001411097.1 and 1 more transcripts); short protein forms Q373*.
Identifiers: ClinVar variation 2719839 (VCV002719839.3), dbSNP rs2505261482, ClinGen allele CA393709410.